The following is an entry in ClinVar:

NM_006440.5(TXNRD2):c.380A>G (p.Lys127Arg)

Gene: TXNRD2 (thioredoxin reductase 2; minus strand). Cytogenetic location: 22q11.21.
Variant type: single nucleotide variant.
Coding change: c.380A>G on transcript NM_006440.5 (MANE Select); coding-DNA position 380, A replaced by G.
Protein change: p.Lys127Arg; replaces lysine 127 with arginine.
Molecular consequence: missense variant. On other transcripts: non-coding transcript variant (1).
Genome position (GRCh38, 1-based): chr22:19,918,212, T>C on the plus strand (A>G on the coding strand, the complement: TXNRD2 is on the minus strand). VCF-style: chr22-19918212-T-C. GRCh37 (hg19) VCF-style: chr22-19905735-T-C.
Other names: c.380A>G, p.Lys127Arg (NM_001282512.3); c.377A>G, p.Lys126Arg (NM_001352300.2); c.290A>G, p.Lys97Arg (NM_001352301.2); c.92A>G, p.Lys31Arg (NM_001352302.2); c.284A>G, p.Lys95Arg (NM_001352303.2); c.380A>G (NM_006440.3); short protein forms K97R, K95R, K126R, K127R, K31R.
Identifiers: ClinVar variation 657342 (VCV000657342.10), dbSNP rs753524446, ClinGen allele CA10104225.

ClinVar aggregate classification (germline): Uncertain significance. Review status: criteria provided, multiple submitters, no conflicts (2 of 4 stars). 2 submissions from 2 submitters: Uncertain significance (2). Last evaluated 2025-02-05.

Conditions:
Primary dilated cardiomyopathy (DCM). Also called: Dilated Cardiomyopathy. Identifiers: Orphanet 217604, MedGen C0007193, MeSH D002311, MONDO:0005021, HP:0001644. Inheritance: Various modes of inheritance.

Allele frequency attached by ClinVar (database versions not stated): TOPMed below 0.00001; gnomAD 0.00001; gnomAD exomes 0.00002 and 0.00007; ExAC 0.00008.
gnomAD v4.1: 32 of 1,614,074 alleles (0.002%); highest among the groups gnomAD compares: South Asian, 0.032%; no homozygotes.

Submissions (2):

Labcorp Genetics (formerly Invitae), Labcorp
Classification: Uncertain significance for Primary dilated cardiomyopathy. Last evaluated: 2025-02-05. Review status: criteria provided, single submitter. Criteria: Invitae Variant Classification Sherloc (09022015). Collection method: clinical testing. Allele origin: germline.
Comment: This sequence change replaces lysine, which is basic and polar, with arginine, which is basic and polar, at codon 127 of the TXNRD2 protein (p.Lys127Arg). This variant is present in population databases (rs753524446, gnomAD 0.06%). This missense change has been observed in individual(s) with dilated cardiomyopathy (PMID: 31983221). ClinVar contains an entry for this variant (Variation ID: 657342). Invitae Evidence Modeling of protein sequence and biophysical properties (such as structural, functional, and spatial information, amino acid conservation, physicochemical variation, residue mobility, and thermodynamic stability) indicates that this missense variant is not expected to disrupt TXNRD2 protein function with a negative predictive value of 80%. In summary, the available evidence is currently insufficient to determine the role of this variant in disease. Therefore, it has been classified as a Variant of Uncertain Significance.

GeneDx
Classification: Uncertain significance. Last evaluated: 2023-05-18. Review status: criteria provided, single submitter. Criteria: GeneDx Variant Classification Process June 2021. Collection method: clinical testing. Allele origin: germline. Affected: yes.
Comment: Has been reported in an individual with DCM (Mazzarotto et al., 2020); In silico analysis supports that this missense variant does not alter protein structure/function; This variant is associated with the following publications: (PMID: 31983221)

Literature cited by the submitters: PubMed 31983221 (cited by Labcorp Genetics (formerly Invitae), Labcorp).